The following is an entry in ClinVar:

ClinVar aggregate classification (germline): Pathogenic/Likely pathogenic. Review status: criteria provided, multiple submitters, no conflicts (2 of 4 stars). 5 submissions from 5 submitters: Pathogenic (2); Likely pathogenic (2). 1 of the submissions does not count toward it. Last evaluated 2026-08-01.

Conditions:
Glycine encephalopathy. Also called: Non-ketotic hyperglycinemia; Nonketotic hyperglycinemia. Identifiers: Orphanet 407, MedGen C0751748, MONDO:0011612, HP:0008288.

Allele frequency attached by ClinVar (database versions not stated): TOPMed 0.00003; gnomAD 0.00004 and 0.00003; ExAC 0.00001; gnomAD exomes 0.00001 and 0.00002.
gnomAD v4.1: 20 of 1,612,996 alleles (0.0012%); highest among the groups gnomAD compares: East Asian, 0.0089%; no homozygotes.

Submissions (5):

CeGaT Center for Human Genetics Tuebingen
Classification: Pathogenic. Last evaluated: 2026-08-01. Review status: criteria provided, single submitter. Criteria: CeGaT Center For Human Genetics Tuebingen Variant Classification Criteria Version 2. Collection method: clinical testing. Allele origin: germline. Affected: yes. Observed: 2 variant alleles.
Comment: GLDC: PM3:Strong, PM1, PM2, PP4:Moderate

Labcorp Genetics (formerly Invitae), Labcorp
Classification: Pathogenic for Glycine encephalopathy. Last evaluated: 2025-12-30. Review status: criteria provided, single submitter. Criteria: Invitae Variant Classification Sherloc (09022015). Collection method: clinical testing. Allele origin: germline.
Comment: This sequence change replaces threonine, which is neutral and polar, with methionine, which is neutral and non-polar, at codon 830 of the GLDC protein (p.Thr830Met). This variant is present in population databases (rs386833560, gnomAD 0.03%). This missense change has been observed in individual(s) with non-ketotic hyperglycinemia (PMID: 27362913). In at least one individual the data is consistent with being in trans (on the opposite chromosome) from a pathogenic variant. ClinVar contains an entry for this variant (Variation ID: 56079). Invitae Evidence Modeling of protein sequence and biophysical properties (such as structural, functional, and spatial information, amino acid conservation, physicochemical variation, residue mobility, and thermodynamic stability) indicates that this missense variant is expected to disrupt GLDC protein function with a positive predictive value of 95%. For these reasons, this variant has been classified as Pathogenic.

Natera, Inc.
Classification: Likely pathogenic for Non-ketotic hyperglycinemia. Last evaluated: 2025-06-25. Review status: criteria provided, single submitter. Criteria: Natera Variant Classification Schema (03/2026). Collection method: clinical testing. Allele origin: germline.
Comment: The c.2489C>T variant in GLDC is a missense variant predicted to cause substitution of threonine to methionine at amino acid 830. This variant is rare in the general population with a frequency below the threshold expected for the associated phenotype(s). This variant has been observed in one or more individuals affected with the associated recessive disease, as either homozygous or compound heterozygous with a second variant (PMID: 30049826, 27362913). Computational prediction algorithms indicate this variant is likely to affect gene or protein function. Given the available evidence, this variant is classified as Likely Pathogenic.

Centre for Translational Omics - GOSgene, University College London
Classification: Likely pathogenic for Glycine encephalopathy 1. Last evaluated: 2018-03-16. Review status: criteria provided, single submitter. Criteria: ACMG Guidelines, 2015. Collection method: clinical testing. Allele origin: inherited. Affected: yes.

Juha Muilu Group; Institute for Molecular Medicine Finland (FIMM)
Classification: Likely pathogenic for Non-ketotic hyperglycinemia. Review status: no assertion criteria provided. Collection method: not provided. Allele origin: unknown. Not counted in ClinVar's aggregate classification.
Comment: FinDis database variant: This variant was not found or characterized by our laboratory, data were collected from public sources: see reference
ClinVar note: Converted during submission from probable-pathogenic to Likely pathogenic.

Literature cited by the submitters: PubMed 27362913 (cited by Labcorp Genetics (formerly Invitae), Labcorp and Natera, Inc.); PubMed 30049826 (cited by Natera, Inc.).

NM_000170.3(GLDC):c.2489C>T (p.Thr830Met)

Gene: GLDC (glycine decarboxylase; minus strand). Cytogenetic location: 9p24.1.
Variant type: single nucleotide variant.
Coding change: c.2489C>T on transcript NM_000170.3 (MANE Select); coding-DNA position 2489, C replaced by T.
Protein change: p.Thr830Met; replaces threonine 830 with methionine.
Molecular consequence: missense variant.
Genome position (GRCh38, 1-based): chr9:6,550,883, G>A on the plus strand (C>T on the coding strand, the complement: GLDC is on the minus strand). VCF-style: chr9-6550883-G-A. GRCh37 (hg19) VCF-style: chr9-6550883-G-A.
Other names: short protein forms T830M.
Identifiers: ClinVar variation 56079 (VCV000056079.15), dbSNP rs386833560, ClinGen allele CA263376.